The following is an entry in ClinVar:

NM_000238.4(KCNH2):c.1847_1855del (p.Tyr616_Thr618del)

Gene: KCNH2 (potassium voltage-gated channel subfamily H member 2; minus strand). Cytogenetic location: 7q36.1.
Variant type: Deletion.
Coding change: c.1847_1855del on transcript NM_000238.4 (MANE Select); coding-DNA positions 1847 to 1855, 9 bases deleted (ACTTCACCT; older notation c.1847_1855delACTTCACCT).
Protein change: p.Tyr616_Thr618del.
Molecular consequence: inframe deletion. On other transcripts: inframe indel (5).
Genome position (GRCh38, 1-based): chr7:150,951,538-150,951,546, AGGTGAAGT deleted on the plus strand (ACTTCACCT on the coding strand, the reverse complement: KCNH2 is on the minus strand); deleting any 9 consecutive bases within chr7:150,951,538-150,951,548 gives the same sequence; the c. name uses the placement nearest the transcript's 3' end. VCF-style (leftmost placement, unchanged base first): chr7-150951537-AAGGTGAAGT-A. GRCh37 (hg19) VCF-style: chr7-150648625-AAGGTGAAGT-A.
Other names: c.1847_1855delACTTCACCT (NM_000238.2); c.827_835del, p.Tyr276_Thr278del (NM_001204798.2, NM_172057.3); c.1557_1565delCTACTTCAC, p.Tyr520_Thr522del (NM_001406753.1, NM_001406756.1); c.1668_1676delCTACTTCAC, p.Tyr557_Thr559del (NM_001406755.1); c.1545_1553delCTACTTCAC, p.Tyr516_Thr518del (NM_001406757.1); c.1845_1853delCTACTTCAC, p.Tyr616_Thr618del (NM_172056.3).
Identifiers: ClinVar variation 503778 (VCV000503778.4), dbSNP rs1554425762, ClinGen allele CA658797029.

ClinVar aggregate classification (germline): Likely pathogenic (1 of 4 stars; one submission).

Submission:

GeneDx
Classification: Likely pathogenic. Last evaluated: 2019-03-11. Review status: criteria provided, single submitter. Criteria: GeneDx Variant Classification Process June 2021. Collection method: clinical testing. Allele origin: germline. Affected: yes.
Comment: Has not been previously published as pathogenic or benign to our knowledge; Not observed in large population cohorts (Lek et al., 2016); In-frame deletion of three amino acids in a non-repeat region predicted to critically alter the protein; In silico analysis, which includes protein predictors and evolutionary conservation, supports a deleterious effect